The following is an entry in ClinVar:

ClinVar aggregate classification (germline): Uncertain significance. Review status: criteria provided, multiple submitters, no conflicts (2 of 4 stars). 2 submissions from 2 submitters: Uncertain significance (2). Last evaluated 2024-01-08.

Conditions:
Inborn genetic diseases. Identifiers: MedGen C0950123, MeSH D030342.

gnomAD v4.1: 1 of 1,614,178 alleles (0.000062%); highest among the groups gnomAD compares: Non-Finnish European, 0.000085%; no homozygotes.

Submissions (2):

Ambry Genetics
Classification: Uncertain significance for Inborn genetic diseases. Last evaluated: 2024-01-08. Review status: criteria provided, single submitter. Criteria: Ambry Variant Classification Scheme 2023. Collection method: clinical testing. Allele origin: germline.

GeneDx
Classification: Uncertain significance. Last evaluated: 2023-11-03. Review status: criteria provided, single submitter. Criteria: GeneDx Variant Classification Process June 2021. Collection method: clinical testing. Allele origin: germline. Affected: yes.
Comment: Not observed at significant frequency in large population cohorts (gnomAD); In silico analysis supports that this missense variant has a deleterious effect on protein structure/function; Has not been previously published as pathogenic or benign to our knowledge; This variant is associated with the following publications: (PMID: 20829227)

NM_006086.4(TUBB3):c.959G>T (p.Arg320Leu)

Gene: TUBB3 (tubulin beta 3 class III; plus strand). Cytogenetic location: 16q24.3.
Variant type: single nucleotide variant.
Coding change: c.959G>T on transcript NM_006086.4 (MANE Select); coding-DNA position 959, G replaced by T.
Protein change: p.Arg320Leu; replaces arginine 320 with leucine.
Molecular consequence: missense variant.
Genome position (GRCh38, 1-based): chr16:89,935,410, G>T. VCF-style: chr16-89935410-G-T. GRCh37 (hg19) VCF-style: chr16-90001818-G-T.
Other names: c.743G>T, p.Arg248Leu (NM_001197181.2); short protein forms R248L, R320L.
Identifiers: ClinVar variation 3184758 (VCV003184758.2), dbSNP rs772334489, ClinGen allele CA397476128.